The following is an entry in ClinVar:

NM_002637.4(PHKA1):c.3499-30del

Gene: PHKA1 (phosphorylase kinase regulatory subunit alpha 1; minus strand). Cytogenetic location: Xq13.1.
Variant type: Deletion.
Coding change: c.3499-30del on transcript NM_002637.4 (MANE Select); 30 bases into the intron before coding-DNA position 3499, one base deleted (T; older notation c.3499-30delT).
Molecular consequence: intron variant.
Genome position (GRCh38, 1-based): chrX:72,581,205, A deleted on the plus strand (T on the coding strand, the reverse complement: PHKA1 is on the minus strand). VCF-style (leftmost placement, unchanged base first): chrX-72581204-TA-T. GRCh37 (hg19) VCF-style: chrX-71801054-TA-T.
Other names: p.?; c.3283-30del (NM_001172436.2); c.3460-30del (NM_001122670.2).
Identifiers: ClinVar variation 1220180 (VCV001220180.4), dbSNP rs782491905, ClinGen allele CA10450445.

ClinVar aggregate classification (germline): Benign/Likely benign. Review status: criteria provided, multiple submitters, no conflicts (2 of 4 stars). 2 submissions from 2 submitters: Benign (1); Likely benign (1). Last evaluated 2025-10-17.

Allele frequency attached by ClinVar (database versions not stated): 1000 Genomes Project 30x 0.00437; gnomAD exomes 0.00051 and 0.00124; ExAC 0.00140; 1000 Genomes Project 0.00344; gnomAD 0.00350 and 0.00382; TOPMed 0.00398; ESP Exome Variant Server 0.00471.

Submissions (2):

Mayo Clinic Laboratories, Mayo Clinic
Classification: Benign. Last evaluated: 2025-10-17. Review status: criteria provided, single submitter. Criteria: ACMG Guidelines, 2015. Collection method: clinical testing. Allele origin: germline. Observed: 1 variant allele.
Comment: BS1, BS2

GeneDx
Classification: Likely benign. Last evaluated: 2018-08-17. Review status: criteria provided, single submitter. Criteria: GeneDx Variant Classification Process June 2021. Collection method: clinical testing. Allele origin: germline. Affected: yes.